The following is an entry in ClinVar:

NM_032444.4(SLX4):c.491A>G (p.Asn164Ser)

Gene: SLX4 (SLX4 structure-specific endonuclease subunit; minus strand). Cytogenetic location: 16p13.3.
Variant type: single nucleotide variant.
Coding change: c.491A>G on transcript NM_032444.4 (MANE Select); coding-DNA position 491, A replaced by G.
Protein change: p.Asn164Ser; replaces asparagine 164 with serine.
Molecular consequence: missense variant.
Genome position (GRCh38, 1-based): chr16:3,608,474, T>C on the plus strand (A>G on the coding strand, the complement: SLX4 is on the minus strand). VCF-style: chr16-3608474-T-C. GRCh37 (hg19) VCF-style: chr16-3658475-T-C.
Other names: short protein forms N164S.
Identifiers: ClinVar variation 3638503 (VCV003638503.2).

ClinVar aggregate classification (germline): Uncertain significance (1 of 4 stars; one submission).

Conditions:
Fanconi anemia (FA). Also called: Fanconi's anemia. Identifiers: Orphanet 84, MedGen C0015625, MeSH D005199, MONDO:0019391.

Submission:

Labcorp Genetics (formerly Invitae), Labcorp
Classification: Uncertain significance for Fanconi anemia. Last evaluated: 2024-04-19. Review status: criteria provided, single submitter. Criteria: Invitae Variant Classification Sherloc (09022015). Collection method: clinical testing. Allele origin: germline.
Comment: This sequence change replaces asparagine, which is neutral and polar, with serine, which is neutral and polar, at codon 164 of the SLX4 protein (p.Asn164Ser). This variant is not present in population databases (gnomAD no frequency). This variant has not been reported in the literature in individuals affected with SLX4-related conditions. An algorithm developed to predict the effect of missense changes on protein structure and function (PolyPhen-2) suggests that this variant is likely to be tolerated. In summary, the available evidence is currently insufficient to determine the role of this variant in disease. Therefore, it has been classified as a Variant of Uncertain Significance.